The following is an entry in ClinVar:

ClinVar aggregate classification (germline): Uncertain significance (1 of 4 stars; one submission).

Submission:

Labcorp Genetics (formerly Invitae), Labcorp
Classification: Uncertain significance. Last evaluated: 2025-09-23. Review status: criteria provided, single submitter. Criteria: Invitae Variant Classification Sherloc (09022015). Collection method: clinical testing. Allele origin: germline.
Comment: This sequence change falls in intron 11 of the MCM4 gene. It does not directly change the encoded amino acid sequence of the MCM4 protein. It affects a nucleotide within the consensus splice site. This variant is present in population databases (rs750380475, gnomAD 0.001%). This variant has not been reported in the literature in individuals affected with MCM4-related conditions. Variants that disrupt the consensus splice site are a relatively common cause of aberrant splicing (PMID: 17576681, 9536098). Algorithms developed to predict the effect of sequence changes on RNA splicing suggest that this variant is not likely to affect RNA splicing. In summary, the available evidence is currently insufficient to determine the role of this variant in disease. Therefore, it has been classified as a Variant of Uncertain Significance.

Literature cited by the submitters: PubMed 17576681; PubMed 9536098.

NM_182746.3(MCM4):c.1800+5G>A

Gene: MCM4 (minichromosome maintenance complex component 4; plus strand). Cytogenetic location: 8q11.21.
Variant type: single nucleotide variant.
Coding change: c.1800+5G>A on transcript NM_182746.3 (MANE Select); 5 bases into the intron after coding-DNA position 1800, G replaced by A.
Molecular consequence: intron variant.
Genome position (GRCh38, 1-based): chr8:47,970,881, G>A. VCF-style: chr8-47970881-G-A. GRCh37 (hg19) VCF-style: chr8-48883441-G-A.
Other names: c.1800+5G>A (NM_005914.4).
Identifiers: ClinVar variation 4727728 (VCV004727728.1).